The following is an entry in ClinVar:

ClinVar aggregate classification (germline): Uncertain significance (1 of 4 stars; one submission).

Allele frequency attached by ClinVar (database versions not stated): TOPMed below 0.00001; gnomAD 0.00001; gnomAD exomes 0.00001 and 0.00002; ExAC 0.00002; ESP Exome Variant Server 0.00008.
gnomAD v4.1: 8 of 1,613,384 alleles (0.0005%); highest among the groups gnomAD compares: Middle Eastern, 0.082%; no homozygotes.

Submission:

Labcorp Genetics (formerly Invitae), Labcorp
Classification: Uncertain significance. Last evaluated: 2021-12-22. Review status: criteria provided, single submitter. Criteria: Invitae Variant Classification Sherloc (09022015). Collection method: clinical testing. Allele origin: germline.
Comment: This sequence change replaces glycine, which is neutral and non-polar, with arginine, which is basic and polar, at codon 743 of the MPDZ protein (p.Gly743Arg). This variant is present in population databases (rs375260217, gnomAD 0.004%). This variant has not been reported in the literature in individuals affected with MPDZ-related conditions. Algorithms developed to predict the effect of missense changes on protein structure and function (SIFT, PolyPhen-2, Align-GVGD) all suggest that this variant is likely to be disruptive. In summary, the available evidence is currently insufficient to determine the role of this variant in disease. Therefore, it has been classified as a Variant of Uncertain Significance.

NM_001378778.1(MPDZ):c.2227G>A (p.Gly743Arg)

Gene: MPDZ (multiple PDZ domain crumbs cell polarity complex component; minus strand). Cytogenetic location: 9p23.
Variant type: single nucleotide variant.
Coding change: c.2227G>A on transcript NM_001378778.1 (MANE Select); coding-DNA position 2227, G replaced by A.
Protein change: p.Gly743Arg; replaces glycine 743 with arginine.
Molecular consequence: missense variant.
Genome position (GRCh38, 1-based): chr9:13,188,921, C>T on the plus strand (G>A on the coding strand, the complement: MPDZ is on the minus strand). VCF-style: chr9-13188921-C-T. GRCh37 (hg19) VCF-style: chr9-13188920-C-T.
Other names: c.2227G>A, p.Gly743Arg (NM_001261406.2, NM_001261407.2, NM_001330637.2 and 14 more transcripts); short protein forms G743R.
Identifiers: ClinVar variation 1446618 (VCV001446618.6), dbSNP rs375260217, ClinGen allele CA4987522.